The following is an entry in ClinVar:

ClinVar aggregate classification (germline): Uncertain significance (1 of 4 stars; one submission).

Allele frequency attached by ClinVar (database versions not stated): gnomAD exomes below 0.00001; gnomAD 0.00001; TOPMed 0.00001; ExAC 0.00002.
gnomAD v4.1: 4 of 1,604,180 alleles (0.00025%); highest among the groups gnomAD compares: East Asian, 0.0022%; no homozygotes.

Submission:

Labcorp Genetics (formerly Invitae), Labcorp
Classification: Uncertain significance. Last evaluated: 2022-05-12. Review status: criteria provided, single submitter. Criteria: Invitae Variant Classification Sherloc (09022015). Collection method: clinical testing. Allele origin: germline.
Comment: In summary, the available evidence is currently insufficient to determine the role of this variant in disease. Therefore, it has been classified as a Variant of Uncertain Significance. Algorithms developed to predict the effect of missense changes on protein structure and function are either unavailable or do not agree on the potential impact of this missense change (SIFT: "Not Available"; PolyPhen-2: "Probably Damaging"; Align-GVGD: "Not Available"). This variant has not been reported in the literature in individuals affected with MYO18B-related conditions. The frequency data for this variant in the population databases is considered unreliable, as metrics indicate poor data quality at this position in the gnomAD database. This sequence change replaces glutamic acid, which is acidic and polar, with lysine, which is basic and polar, at codon 1767 of the MYO18B protein (p.Glu1767Lys).

NM_032608.7(MYO18B):c.5299G>A (p.Glu1767Lys)

Gene: MYO18B (myosin XVIIIB; plus strand). Cytogenetic location: 22q12.1.
Variant type: single nucleotide variant.
Coding change: c.5299G>A on transcript NM_032608.7 (MANE Select); coding-DNA position 5299, G replaced by A.
Protein change: p.Glu1767Lys; replaces glutamic acid 1767 with lysine.
Molecular consequence: missense variant.
Genome position (GRCh38, 1-based): chr22:25,910,985, G>A. VCF-style: chr22-25910985-G-A. GRCh37 (hg19) VCF-style: chr22-26306952-G-A.
Other names: c.5302G>A, p.Glu1768Lys (NM_001318245.2); short protein forms E1767K, E1768K.
Identifiers: ClinVar variation 1914315 (VCV001914315.5), dbSNP rs778825738, ClinGen allele CA10161133.